The following is an entry in ClinVar:

ClinVar aggregate classification (germline): Conflicting classifications of pathogenicity. Review status: criteria provided, conflicting classifications (1 of 4 stars). 2 submissions from 2 submitters: Uncertain significance (1); Likely benign (1). Last evaluated 2026-02-01.

Conditions:
Familial adenomatous polyposis 1 (FAP1). Also called: FAMILIAL ADENOMATOUS POLYPOSIS 1, ATTENUATED; POLYPOSIS, ADENOMATOUS INTESTINAL. Identifiers: MedGen C2713442, MONDO:0021056, OMIM 175100. Disease mechanism: loss of function.

Allele frequency attached by ClinVar (database versions not stated): gnomAD 0.00001; TOPMed 0.00001; gnomAD exomes 0.00002.
gnomAD v4.1: 12 of 1,370,186 alleles (0.00088%); highest among the groups gnomAD compares: Admixed American, 0.011%; no homozygotes.

Submissions (2):

Labcorp Genetics (formerly Invitae), Labcorp
Classification: Uncertain significance for Familial adenomatous polyposis 1. Last evaluated: 2026-02-01. Review status: criteria provided, single submitter. Criteria: Invitae Variant Classification Sherloc (09022015). Collection method: clinical testing. Allele origin: germline.
Comment: This variant occurs in a non-coding region of the APC gene. It does not change the encoded amino acid sequence of the APC protein. This variant is present in population databases (no rsID available, gnomAD 0.01%). This variant has not been reported in the literature in individuals affected with APC-related conditions. ClinVar contains an entry for this variant (Variation ID: 537679). Experimental studies and prediction algorithms are not available or were not evaluated, and the functional significance of this variant is currently unknown. In summary, the available evidence is currently insufficient to determine the role of this variant in disease. Therefore, it has been classified as a Variant of Uncertain Significance.

Center for Genomic Medicine, Rigshospitalet, Copenhagen University Hospital
Classification: Likely benign. Last evaluated: 2025-03-04. Review status: criteria provided, single submitter. Criteria: ACMG Guidelines, 2015. Collection method: clinical testing. Allele origin: germline.

NM_001127511.3(APC):c.-39T>A

Gene: APC (APC regulator of Wnt signaling pathway; plus strand). Cytogenetic location: 5q22.2.
Variant type: single nucleotide variant.
Coding change: c.-39T>A on transcript NM_001127511.3; 39 bases upstream of the start codon, T replaced by A.
Molecular consequence: 5 prime UTR variant. On other transcripts: non-coding transcript variant (1), intron variant (5).
Genome position (GRCh38, 1-based): chr5:112,707,679, T>A. VCF-style: chr5-112707679-T-A. GRCh37 (hg19) VCF-style: chr5-112043376-T-A.
Other names: c.-222T>A (NM_001354895.2, NM_001407447.1, NM_001407452.1 and 3 more transcripts); c.-39T>A (NM_001354897.2, NM_001354902.2, NM_001407446.1); c.-1257T>A (NM_001407470.1, NM_001407472.1); c.-19+30T>A (NM_001407448.1, NM_001407450.1, NM_001407457.1 and 1 more transcripts); c.-43+30T>A (NM_001407453.1).
Identifiers: ClinVar variation 537679 (VCV000537679.9), dbSNP rs1466692709, ClinGen allele CA561890264.
Genomic context (GRCh38, chr5:112,707,679, plus strand): 5'-CGGACCGAGGTTGGCTCGATGCTGTTCCCAGGTACTGTTGTTGGCTGTTGGTGAGGAAGG[T>A]GAAGCACTCAGTTGCCTTCTCGGGCCTCGGCGCCCCCTATGTACGCCTCCCTGGGCTCGG-3'